The following is an entry in ClinVar:

ClinVar aggregate classification (germline): Uncertain significance (1 of 4 stars; one submission).

Submission:

Labcorp Genetics (formerly Invitae), Labcorp
Classification: Uncertain significance. Last evaluated: 2026-01-21. Review status: criteria provided, single submitter. Criteria: Invitae Variant Classification Sherloc (09022015). Collection method: clinical testing. Allele origin: germline.
Comment: This sequence change replaces threonine, which is neutral and polar, with alanine, which is neutral and non-polar, at codon 592 of the ZNF408 protein (p.Thr592Ala). This variant is not present in population databases (gnomAD no frequency). This variant has not been reported in the literature in individuals affected with ZNF408-related conditions. ClinVar contains an entry for this variant (Variation ID: 1347584). An algorithm developed to predict the effect of missense changes on protein structure and function (PolyPhen-2) suggests that this variant is likely to be disruptive. In summary, the available evidence is currently insufficient to determine the role of this variant in disease. Therefore, it has been classified as a Variant of Uncertain Significance.

NM_024741.3(ZNF408):c.1774A>G (p.Thr592Ala)

Gene: ZNF408 (zinc finger protein 408; plus strand). Cytogenetic location: 11p11.2.
Variant type: single nucleotide variant.
Coding change: c.1774A>G on transcript NM_024741.3 (MANE Select); coding-DNA position 1774, A replaced by G.
Protein change: p.Thr592Ala; replaces threonine 592 with alanine.
Molecular consequence: missense variant.
Genome position (GRCh38, 1-based): chr11:46,705,474, A>G. VCF-style: chr11-46705474-A-G. GRCh37 (hg19) VCF-style: chr11-46727024-A-G.
Other names: c.1750A>G, p.Thr584Ala (NM_001184751.2); short protein forms T592A, T584A.
Identifiers: ClinVar variation 1347584 (VCV001347584.8), dbSNP rs2134511241, ClinGen allele CA380257500.
Genomic context (GRCh38, chr11:46,705,474, plus strand): 5'-CTGCACTCCGGAGAGAGGCCCTTTCCCTGTCCCCAGTGTGGCCGTGCTTACACGCTGGCC[A>G]CCAAGCTGCGGCGCCACCTCAAATCTCACTTGGAGGACAAGCCCTACCGCTGCCCCACCT-3'
Protein context (NP_079017.1, residues 582-602): PQCGRAYTLA[Thr592Ala]KLRRHLKSHL